The following is an entry in ClinVar:

NM_006206.6(PDGFRA):c.2325C>A (p.Asp775Glu)

Gene: PDGFRA (platelet derived growth factor receptor alpha; plus strand). Cytogenetic location: 4q12.
Variant type: single nucleotide variant.
Coding change: c.2325C>A on transcript NM_006206.6 (MANE Select); coding-DNA position 2325, C replaced by A.
Protein change: p.Asp775Glu; replaces aspartic acid 775 with glutamic acid.
Molecular consequence: missense variant.
Genome position (GRCh38, 1-based): chr4:54,285,372, C>A. VCF-style: chr4-54285372-C-A. GRCh37 (hg19) VCF-style: chr4-55151539-C-A.
Other names: c.2400C>A, p.Asp800Glu (NM_001347828.2); c.2325C>A, p.Asp775Glu (NM_001347829.2); c.2364C>A, p.Asp788Glu (NM_001347830.2); short protein forms D788E, D800E, D775E.
Identifiers: ClinVar variation 2693116 (VCV002693116.3), dbSNP rs1386194880, ClinGen allele CA356894579.

ClinVar aggregate classification (germline): Uncertain significance (1 of 4 stars; one submission).

Conditions:
Gastrointestinal stromal tumor. Also called: Gastrointestinal stromal tumor, somatic; Gastrointestinal stroma tumor. Identifiers: Orphanet 44890, MedGen C0238198, MeSH D046152, MONDO:0011719, OMIM 606764, HP:0100723.

Submission:

Labcorp Genetics (formerly Invitae), Labcorp
Classification: Uncertain significance for Gastrointestinal stromal tumor. Last evaluated: 2023-11-04. Review status: criteria provided, single submitter. Criteria: Invitae Variant Classification Sherloc (09022015). Collection method: clinical testing. Allele origin: germline.
Comment: This sequence change replaces aspartic acid, which is acidic and polar, with glutamic acid, which is acidic and polar, at codon 775 of the PDGFRA protein (p.Asp775Glu). This variant is not present in population databases (gnomAD no frequency). This variant has not been reported in the literature in individuals affected with PDGFRA-related conditions. Algorithms developed to predict the effect of missense changes on protein structure and function output the following: SIFT: "Not Available"; PolyPhen-2: "Benign"; Align-GVGD: "Not Available". The glutamic acid amino acid residue is found in multiple mammalian species, which suggests that this missense change does not adversely affect protein function. In summary, the available evidence is currently insufficient to determine the role of this variant in disease. Therefore, it has been classified as a Variant of Uncertain Significance.